The following is an entry in ClinVar:

ClinVar aggregate classification (germline): Uncertain significance (1 of 4 stars; one submission).

Allele frequency attached by ClinVar (database versions not stated): gnomAD exomes below 0.00001.
gnomAD v4.1: 7 of 1,613,278 alleles (0.00043%); highest among the groups gnomAD compares: Non-Finnish European, 0.00042%; no homozygotes.

Submission:

Ambry Genetics
Classification: Uncertain significance. Last evaluated: 2023-03-29. Review status: criteria provided, single submitter. Criteria: Ambry Variant Classification Scheme 2023. Collection method: clinical testing. Allele origin: germline.
Comment: The p.A1079T variant (also known as c.3235G>A), located in coding exon 29 of the IKBKAP gene, results from a G to A substitution at nucleotide position 3235. The alanine at codon 1079 is replaced by threonine, an amino acid with similar properties. This amino acid position is conserved. In addition, the in silico prediction for this alteration is inconclusive. Since supporting evidence is limited at this time, the clinical significance of this alteration remains unclear.

NM_003640.5(ELP1):c.3235G>A (p.Ala1079Thr)

Gene: ELP1 (elongator acetyltransferase complex subunit 1; minus strand). Cytogenetic location: 9q31.3.
Variant type: single nucleotide variant.
Coding change: c.3235G>A on transcript NM_003640.5 (MANE Select); coding-DNA position 3235, G replaced by A.
Protein change: p.Ala1079Thr; replaces alanine 1079 with threonine.
Molecular consequence: missense variant.
Genome position (GRCh38, 1-based): chr9:108,882,175, C>T on the plus strand (G>A on the coding strand, the complement: ELP1 is on the minus strand). VCF-style: chr9-108882175-C-T. GRCh37 (hg19) VCF-style: chr9-111644455-C-T.
Other names: c.2893G>A, p.Ala965Thr (NM_001318360.2); c.2188G>A, p.Ala730Thr (NM_001330749.2); short protein forms A730T, A1079T, A965T.
Identifiers: ClinVar variation 2563023 (VCV002563023.2), dbSNP rs1299171036, ClinGen allele CA374413714.